The following is an entry in ClinVar:

ClinVar aggregate classification (germline): Conflicting classifications of pathogenicity. Review status: criteria provided, conflicting classifications (1 of 4 stars). 6 submissions from 6 submitters: Uncertain significance (3); Likely benign (2). 1 of the submissions does not count toward it. Last evaluated 2024-11-09.

Conditions:
Becker muscular dystrophy (BMD). Also called: Becker Muscular Dystrophy (BMD); MUSCULAR DYSTROPHY, PSEUDOHYPERTROPHIC PROGRESSIVE, BECKER TYPE. Identifiers: Orphanet 98895, MedGen C0917713, MONDO:0010311, OMIM 300376.
Duchenne muscular dystrophy (DMD). Also called: MUSCULAR DYSTROPHY, PSEUDOHYPERTROPHIC PROGRESSIVE, DUCHENNE TYPE; Duchenne Muscular Dystrophy (DMD). Identifiers: Orphanet 98896, MedGen C0013264, MONDO:0010679, OMIM 310200.
Dystrophin deficiency.
Cardiomyopathy (CMYO). Also called: Cardiomyopathies. Identifiers: Orphanet 167848, MedGen C0878544, MONDO:0004994, HP:0001638. Inheritance: Various modes of inheritance.
Cardiovascular phenotype. Identifiers: MedGen CN230736.

Allele frequency attached by ClinVar (database versions not stated): gnomAD exomes below 0.00001.
gnomAD v4.1: 3 of 1,210,425 alleles (0.00025%); highest among the groups gnomAD compares: African/African-American, 0.0017%; no homozygotes.

Submissions (6):

Ambry Genetics
Classification: Likely benign for Cardiovascular phenotype. Last evaluated: 2024-11-09. Review status: criteria provided, single submitter. Criteria: Ambry Variant Classification Scheme 2023. Collection method: clinical testing. Allele origin: germline.

Labcorp Genetics (formerly Invitae), Labcorp
Classification: Uncertain significance for Duchenne muscular dystrophy. Last evaluated: 2024-02-24. Review status: criteria provided, single submitter. Criteria: Invitae Variant Classification Sherloc (09022015). Collection method: clinical testing. Allele origin: germline.
Comment: This sequence change replaces glutamine, which is neutral and polar, with glutamic acid, which is acidic and polar, at codon 1432 of the DMD protein (p.Gln1432Glu). This variant is not present in population databases (gnomAD no frequency). This variant has not been reported in the literature in individuals affected with DMD-related conditions. ClinVar contains an entry for this variant (Variation ID: 1024941). Advanced modeling of protein sequence and biophysical properties (such as structural, functional, and spatial information, amino acid conservation, physicochemical variation, residue mobility, and thermodynamic stability) performed at Invitae indicates that this missense variant is not expected to disrupt DMD protein function with a negative predictive value of 95%. In summary, the available evidence is currently insufficient to determine the role of this variant in disease. Therefore, it has been classified as a Variant of Uncertain Significance.

Revvity Omics, Revvity
Classification: Uncertain significance. Last evaluated: 2023-08-02. Review status: criteria provided, single submitter. Criteria: ACMG Guidelines, 2015. Collection method: clinical testing. Allele origin: germline.

Clinical Genetics Laboratory, Skane University Hospital Lund
Classification: Uncertain significance. Last evaluated: 2022-05-27. Review status: criteria provided, single submitter. Criteria: ACMG Guidelines, 2015. Collection method: clinical testing. Allele origin: germline. Affected: yes.

Blueprint Genetics
Classification: Likely benign. Last evaluated: 2022-03-01. Review status: criteria provided, single submitter. Criteria: ACMG Guidelines, 2015. Collection method: clinical testing. Allele origin: germline.

Natera, Inc.
Classification: Uncertain significance for Becker muscular dystrophy; Cardiomyopathy; Duchenne muscular dystrophy; Dystrophin deficiency. Last evaluated: 2019-02-07. Review status: no assertion criteria provided. Collection method: clinical testing. Allele origin: germline. Not counted in ClinVar's aggregate classification.

NM_004006.3(DMD):c.4294C>G (p.Gln1432Glu)

Gene: DMD (dystrophin; minus strand). Cytogenetic location: Xp21.1.
Variant type: single nucleotide variant.
Coding change: c.4294C>G on transcript NM_004006.3 (MANE Select); coding-DNA position 4294, C replaced by G.
Protein change: p.Gln1432Glu; replaces glutamine 1432 with glutamic acid.
Molecular consequence: missense variant.
Genome position (GRCh38, 1-based): chrX:32,390,121, G>C on the plus strand (C>G on the coding strand, the complement: DMD is on the minus strand). VCF-style: chrX-32390121-G-C. GRCh37 (hg19) VCF-style: chrX-32408238-G-C.
Other names: c.4270C>G, p.Gln1424Glu (NM_000109.4); c.4282C>G, p.Gln1428Glu (NM_004009.3); c.3925C>G, p.Gln1309Glu (NM_004010.3); c.271C>G, p.Gln91Glu (NM_004011.4); c.262C>G, p.Gln88Glu (NM_004012.4); c.4294C>G (NM_004006.2); short protein forms Q91E, Q1309E, Q1424E, Q1428E, Q1432E, Q88E.
Identifiers: ClinVar variation 1024941 (VCV001024941.14), dbSNP rs1603632326, ClinGen allele CA412664039.